The following is an entry in ClinVar:

ClinVar aggregate classification (germline): Likely pathogenic (1 of 4 stars; one submission).

Conditions:
Takenouchi-Kosaki syndrome. Also called: MACROTHROMBOCYTOPENIA AND MENTAL RETARDATION SYNDROME; Macrothrombocytopenia-lymphedema-developmental delay-facial dysmorphism-camptodactyly syndrome. Identifiers: Orphanet 487796, MedGen C4225222, MONDO:0014757, OMIM 616737.

Submission:

Institute of Human Genetics, University of Leipzig Medical Center
Classification: Likely pathogenic for Takenouchi-Kosaki syndrome. Last evaluated: 2024-09-02. Review status: criteria provided, single submitter. Criteria: ACMG Guidelines, 2015. Collection method: clinical testing. Allele origin: de novo. Inheritance: Autosomal dominant inheritance. Affected: yes.
Comment: Criteria applied: PS2_MOD,PM2,PP2,PP3

NM_001791.4(CDC42):c.291G>T (p.Trp97Cys)

Gene: CDC42 (cell division cycle 42; plus strand). Cytogenetic location: 1p36.12.
Variant type: single nucleotide variant.
Coding change: c.291G>T on transcript NM_001791.4 (MANE Select); coding-DNA position 291, G replaced by T.
Protein change: p.Trp97Cys; replaces tryptophan 97 with cysteine.
Molecular consequence: missense variant.
Genome position (GRCh38, 1-based): chr1:22,086,671, G>T. VCF-style: chr1-22086671-G-T. GRCh37 (hg19) VCF-style: chr1-22413164-G-T.
Other names: c.291G>T, p.Trp97Cys (NM_001039802.2, NM_044472.3); short protein forms W97C.
Identifiers: ClinVar variation 3359104 (VCV003359104.1).
Genomic context (GRCh38, chr1:22,086,671, plus strand): 5'-AAATAGCATTAGAGGCTTGTTGATTAACAAAGGTGTATTTTAAAATACCTTTTTTTAGTG[G>T]GTGCCTGAGATAACTCACCACTGTCCAAAGACTCCTTTCTTGCTTGTTGGGACTCAAATT-3'
Protein context (NP_001782.1, residues 87-107): PSSFENVKEK[Trp97Cys]VPEITHHCPK